The following is an entry in ClinVar:

NM_023936.2(MRPS34):c.188G>A (p.Arg63His)

Genes: EME2 (essential meiotic structure-specific endonuclease subunit 2; plus strand), MRPS34 (mitochondrial ribosomal protein S34; minus strand). Cytogenetic location: 16p13.3.
Variant type: single nucleotide variant.
Coding change: c.188G>A on transcript NM_023936.2 (MANE Select); coding-DNA position 188, G replaced by A.
Protein change: p.Arg63His; replaces arginine 63 with histidine.
Molecular consequence: missense variant. On other transcripts: 5 prime UTR variant (1).
Genome position (GRCh38, 1-based): chr16:1,772,932, C>T on the plus strand (G>A on the coding strand, the complement: MRPS34 is on the minus strand). VCF-style: chr16-1772932-C-T. GRCh37 (hg19) VCF-style: chr16-1822933-C-T.
Other names: c.-296C>T (NM_001257370.2); c.188G>A, p.Arg63His (NM_001300900.2); short protein forms R63H.
Identifiers: ClinVar variation 1910092 (VCV001910092.6), dbSNP rs1457974718, ClinGen allele CA394244160.

ClinVar aggregate classification (germline): Uncertain significance. Review status: criteria provided, multiple submitters, no conflicts (2 of 4 stars). 2 submissions from 2 submitters: Uncertain significance (2). Last evaluated 2024-04-01.

Conditions:
Inborn genetic diseases. Identifiers: MedGen C0950123, MeSH D030342.

gnomAD v4.1: 7 of 1,444,430 alleles (0.00048%); highest among the groups gnomAD compares: Admixed American, 0.0057%; no homozygotes.

Submissions (2):

Labcorp Genetics (formerly Invitae), Labcorp
Classification: Uncertain significance. Last evaluated: 2024-04-01. Review status: criteria provided, single submitter. Criteria: Invitae Variant Classification Sherloc (09022015). Collection method: clinical testing. Allele origin: germline.
Comment: This sequence change replaces arginine, which is basic and polar, with histidine, which is basic and polar, at codon 63 of the MRPS34 protein (p.Arg63His). This variant is not present in population databases (gnomAD no frequency). This variant has not been reported in the literature in individuals affected with MRPS34-related conditions. ClinVar contains an entry for this variant (Variation ID: 1910092). An algorithm developed to predict the effect of missense changes on protein structure and function (PolyPhen-2) suggests that this variant is likely to be disruptive. In summary, the available evidence is currently insufficient to determine the role of this variant in disease. Therefore, it has been classified as a Variant of Uncertain Significance.

Ambry Genetics
Classification: Uncertain significance for Inborn genetic diseases. Last evaluated: 2023-12-16. Review status: criteria provided, single submitter. Criteria: Ambry Variant Classification Scheme 2023. Collection method: clinical testing. Allele origin: germline.